The following is an entry in ClinVar:

NM_001330588.2(TPP2):c.*52G>A

Gene: TPP2 (tripeptidyl peptidase 2; plus strand). Cytogenetic location: 13q33.1.
Variant type: single nucleotide variant.
Coding change: c.*52G>A on transcript NM_001330588.2 (MANE Select); 52 bases downstream of the stop codon, G replaced by A.
Molecular consequence: 3 prime UTR variant. On other transcripts: non-coding transcript variant (1).
Genome position (GRCh38, 1-based): chr13:102,678,368, G>A. VCF-style: chr13-102678368-G-A. GRCh37 (hg19) VCF-style: chr13-103330718-G-A.
Other names: c.*52G>A (NM_001367947.1, NM_003291.4).
Identifiers: ClinVar variation 2628190 (VCV002628190.2), dbSNP rs3806, ClinGen allele CA7038359.

ClinVar aggregate classification (germline): Benign (1 of 4 stars; one submission).

Allele frequency attached by ClinVar (database versions not stated): ExAC 0.45005; gnomAD exomes 0.47405; 1000 Genomes Project 0.47424; 1000 Genomes Project 30x 0.47533; gnomAD 0.49679; TOPMed 0.49714; ESP Exome Variant Server 0.52700.
gnomAD v4.1: 733,589 of 1,541,204 alleles (48%); highest among the groups gnomAD compares: African/African-American, 60%; 176,115 homozygotes.

Submission:

Unidad de Genómica Garrahan, Hospital de Pediatría Garrahan
Classification: Benign. Last evaluated: 2023-11-12. Review status: criteria provided, single submitter. Criteria: ACMG Guidelines, 2015. Collection method: clinical testing. Allele origin: germline. Affected: no. Observed: 45 variant alleles.
Comment: This variant is classified as Benign based on local population frequency. This variant was detected in 47% of patients studied by a panel of primary immunodeficiencies. Number of patients: 45. Only high quality variants are reported.